The following is an entry in ClinVar:

NM_182961.4(SYNE1):c.24194G>A (p.Arg8065His)

Gene: SYNE1 (spectrin repeat containing nuclear envelope protein 1; minus strand). Cytogenetic location: 6q25.2.
Variant type: single nucleotide variant.
Coding change: c.24194G>A on transcript NM_182961.4 (MANE Select); coding-DNA position 24194, G replaced by A.
Protein change: p.Arg8065His; replaces arginine 8065 with histidine.
Molecular consequence: missense variant.
Genome position (GRCh38, 1-based): chr6:152,152,077, C>T on the plus strand (G>A on the coding strand, the complement: SYNE1 is on the minus strand). VCF-style: chr6-152152077-C-T. GRCh37 (hg19) VCF-style: chr6-152473212-C-T.
Other names: c.800G>A, p.Arg267His (NM_001347701.2); c.659G>A, p.Arg220His (NM_001347702.2); c.23981G>A, p.Arg7994His (NM_033071.5); short protein forms R220H, R267H, R7994H, R8065H.
Identifiers: ClinVar variation 659330 (VCV000659330.8), dbSNP rs201956180, ClinGen allele CA4053242.

ClinVar aggregate classification (germline): Uncertain significance (1 of 4 stars; one submission).

Conditions:
Emery-Dreifuss muscular dystrophy 4, autosomal dominant (EDMD4). Also called: EMERY-DREIFUSS MUSCULAR DYSTROPHY 4 WITH VARIABLE FEATURES. Identifiers: Orphanet 261, MedGen C2751807, MONDO:0013071, OMIM 612998.
Autosomal recessive ataxia, Beauce type. Also called: Spinocerebellar ataxia, autosomal recessive 8; ATAXIA, RECESSIVE, OF BEAUCE; SYNE1-Related Autosomal Recessive Cerebellar Ataxia; SYNE1 Deficiency. Identifiers: Orphanet 88644, MedGen C1853116, MONDO:0012549, OMIM 610743.

Allele frequency attached by ClinVar (database versions not stated): TOPMed 0.00001; ESP Exome Variant Server 0.00008.
gnomAD v4.1: 9 of 1,614,032 alleles (0.00056%); highest among the groups gnomAD compares: East Asian, 0.0067%; no homozygotes.

Submission:

Labcorp Genetics (formerly Invitae), Labcorp
Classification: Uncertain significance for Emery-Dreifuss muscular dystrophy 4, autosomal dominant; Autosomal recessive ataxia, Beauce type. Last evaluated: 2025-08-18. Review status: criteria provided, single submitter. Criteria: Invitae Variant Classification Sherloc (09022015). Collection method: clinical testing. Allele origin: germline.
Comment: This sequence change replaces arginine, which is basic and polar, with histidine, which is basic and polar, at codon 7994 of the SYNE1 protein (p.Arg7994His). This variant is present in population databases (rs201956180, gnomAD 0.006%). This variant has not been reported in the literature in individuals affected with SYNE1-related conditions. ClinVar contains an entry for this variant (Variation ID: 659330). An algorithm developed to predict the effect of missense changes on protein structure and function (PolyPhen-2) suggests that this variant is likely to be disruptive. In summary, the available evidence is currently insufficient to determine the role of this variant in disease. Therefore, it has been classified as a Variant of Uncertain Significance.